The following is an entry in ClinVar:

ClinVar aggregate classification (germline): Uncertain significance (1 of 4 stars; one submission).

Conditions:
Curry-Hall syndrome (WAD). Also called: WEYERS ACRODENTAL DYSOSTOSIS. Identifiers: Orphanet 952, MedGen C0457013, MONDO:0008673, OMIM 193530.
Ellis-van Creveld syndrome (EVC). Also called: EVC-Related Ellis-van Creveld Syndrome; EVC2-Related Ellis-van Creveld Syndrome; MESOECTODERMAL DYSPLASIA; Chondroectodermal dysplasia. Identifiers: Orphanet 289, MedGen C0013903, MONDO:0009162, OMIM 225500.

gnomAD v4.1: 7 of 1,502,390 alleles (0.00047%); highest among the groups gnomAD compares: African/African-American, 0.0072%; no homozygotes.

Submission:

Labcorp Genetics (formerly Invitae), Labcorp
Classification: Uncertain significance for Curry-Hall syndrome; Ellis-van Creveld syndrome. Last evaluated: 2025-04-20. Review status: criteria provided, single submitter. Criteria: Invitae Variant Classification Sherloc (09022015). Collection method: clinical testing. Allele origin: germline.
Comment: This sequence change replaces serine, which is neutral and polar, with threonine, which is neutral and polar, at codon 34 of the EVC2 protein (p.Ser34Thr). This variant is present in population databases (no rsID available, gnomAD 0.02%). This variant has not been reported in the literature in individuals affected with EVC2-related conditions. An algorithm developed to predict the effect of missense changes on protein structure and function (PolyPhen-2) suggests that this variant is likely to be tolerated. In summary, the available evidence is currently insufficient to determine the role of this variant in disease. Therefore, it has been classified as a Variant of Uncertain Significance.

NM_147127.5(EVC2):c.101G>C (p.Ser34Thr)

Gene: EVC2 (EvC ciliary complex subunit 2; minus strand). Cytogenetic location: 4p16.2.
Variant type: single nucleotide variant.
Coding change: c.101G>C on transcript NM_147127.5 (MANE Select); coding-DNA position 101, G replaced by C.
Protein change: p.Ser34Thr; replaces serine 34 with threonine.
Molecular consequence: missense variant. On other transcripts: intron variant (1).
Genome position (GRCh38, 1-based): chr4:5,708,413, C>G on the plus strand (G>C on the coding strand, the complement: EVC2 is on the minus strand). VCF-style: chr4-5708413-C-G. GRCh37 (hg19) VCF-style: chr4-5710140-C-G.
Other names: c.-13+416G>C (NM_001166136.2); short protein forms S34T.
Identifiers: ClinVar variation 4782550 (VCV004782550.1).
Genomic context (GRCh38, chr4:5,708,413, plus strand): 5'-GGAGCCACCTGGGGATCCCGGGGTGGCTGCGCGCCGAGGGGGCGCCAGCGGGGACGTGAG[C>G]TGGCGCCGAGACAGCCTCGGCCCCCCAGCGCCAGGGCCACTGCCAGGAGACCCCCGGCCA-3'
Protein context (NP_667338.3, residues 24-44): ALGGRGCLGA[Ser34Thr]SRPRWRPLGA